The following is an entry in ClinVar:

NM_021072.4(HCN1):c.1466G>A (p.Ser489Asn)

Gene: HCN1 (hyperpolarization activated cyclic nucleotide gated potassium channel 1; minus strand). Cytogenetic location: 5p12.
Variant type: single nucleotide variant.
Coding change: c.1466G>A on transcript NM_021072.4 (MANE Select); coding-DNA position 1466, G replaced by A.
Protein change: p.Ser489Asn; replaces serine 489 with asparagine.
Molecular consequence: missense variant.
Genome position (GRCh38, 1-based): chr5:45,303,751, C>T on the plus strand (G>A on the coding strand, the complement: HCN1 is on the minus strand). VCF-style: chr5-45303751-C-T. GRCh37 (hg19) VCF-style: chr5-45303853-C-T.
Other names: short protein forms S489N.
Identifiers: ClinVar variation 1047818 (VCV001047818.9), dbSNP rs1745673386, ClinGen allele CA359702664.
Genomic context (GRCh38, chr5:45,303,751, plus strand): 5'-CCCACGGCTCCTTCTCGTATGATATAATCTCCAGGTTGAAACACCTCAAATCTCAACTTG[C>T]TCAGCATGGCAGTCACAAAATTAGGATCCGCATTAGCAAATAAAGGCATTGTAGCCACCA-3'
Protein context (NP_066550.2, residues 479-499): ADPNFVTAML[Ser489Asn]KLRFEVFQPG

ClinVar aggregate classification (germline): Uncertain significance (1 of 4 stars; one submission).

Conditions:
Early-infantile DEE. Also called: Ohtahara syndrome; Early infantile epileptic encephalopathy with suppression bursts; Early infantile epileptic encephalopathy. Identifiers: Orphanet 1934, MedGen C0393706, MONDO:0800491.

Submission:

Labcorp Genetics (formerly Invitae), Labcorp
Classification: Uncertain significance for Early-infantile DEE. Last evaluated: 2020-09-25. Review status: criteria provided, single submitter. Criteria: Invitae Variant Classification Sherloc (09022015). Collection method: clinical testing. Allele origin: germline.
Comment: In summary, the available evidence is currently insufficient to determine the role of this variant in disease. Therefore, it has been classified as a Variant of Uncertain Significance. Advanced modeling of protein sequence and biophysical properties (such as structural, functional, and spatial information, amino acid conservation, physicochemical variation, residue mobility, and thermodynamic stability) performed at Invitae indicates that this missense variant is not expected to disrupt HCN1 protein function. This variant has not been reported in the literature in individuals with HCN1-related conditions. This variant is not present in population databases (ExAC no frequency). This sequence change replaces serine with asparagine at codon 489 of the HCN1 protein (p.Ser489Asn). The serine residue is highly conserved and there is a small physicochemical difference between serine and asparagine.